The following is an entry in ClinVar:

ClinVar aggregate classification (germline): Uncertain significance. Review status: criteria provided, multiple submitters, no conflicts (2 of 4 stars). 2 submissions from 2 submitters: Uncertain significance (2). Last evaluated 2024-11-26.

Conditions:
Inborn genetic diseases. Identifiers: MedGen C0950123, MeSH D030342.
Baller-Gerold syndrome (BGS). Also called: CRANIOSYNOSTOSIS WITH RADIAL DEFECTS. Identifiers: Orphanet 1225, MedGen C0265308, MONDO:0009039, OMIM 218600.

Allele frequency attached by ClinVar (database versions not stated): TOPMed below 0.00001.
gnomAD v4.1: 3 of 1,599,906 alleles (0.00019%); highest among the groups gnomAD compares: African/African-American, 0.0013%; no homozygotes.

Submissions (2):

Ambry Genetics
Classification: Uncertain significance for Inborn genetic diseases. Last evaluated: 2024-11-26. Review status: criteria provided, single submitter. Criteria: Ambry Variant Classification Scheme 2023. Collection method: clinical testing. Allele origin: germline.
Comment: The p.A152G variant (also known as c.455C>G), located in coding exon 5 of the RECQL4 gene, results from a C to G substitution at nucleotide position 455. The alanine at codon 152 is replaced by glycine, an amino acid with similar properties. This amino acid position is conserved. In addition, this alteration is predicted to be tolerated by in silico analysis. Based on the available evidence, the clinical significance of this variant remains unclear.

Labcorp Genetics (formerly Invitae), Labcorp
Classification: Uncertain significance for Baller-Gerold syndrome. Last evaluated: 2023-10-22. Review status: criteria provided, single submitter. Criteria: Invitae Variant Classification Sherloc (09022015). Collection method: clinical testing. Allele origin: germline.
Comment: This sequence change replaces alanine, which is neutral and non-polar, with glycine, which is neutral and non-polar, at codon 152 of the RECQL4 protein (p.Ala152Gly). This variant is not present in population databases (gnomAD no frequency). This variant has not been reported in the literature in individuals affected with RECQL4-related conditions. ClinVar contains an entry for this variant (Variation ID: 842030). Advanced modeling of protein sequence and biophysical properties (such as structural, functional, and spatial information, amino acid conservation, physicochemical variation, residue mobility, and thermodynamic stability) performed at Invitae indicates that this missense variant is not expected to disrupt RECQL4 protein function. In summary, the available evidence is currently insufficient to determine the role of this variant in disease. Therefore, it has been classified as a Variant of Uncertain Significance.

NM_004260.4(RECQL4):c.455C>G (p.Ala152Gly)

Gene: RECQL4 (RecQ like helicase 4; minus strand). Cytogenetic location: 8q24.3.
Variant type: single nucleotide variant.
Coding change: c.455C>G on transcript NM_004260.4 (MANE Select); coding-DNA position 455, C replaced by G.
Protein change: p.Ala152Gly; replaces alanine 152 with glycine.
Molecular consequence: missense variant.
Genome position (GRCh38, 1-based): chr8:144,516,664, G>C on the plus strand (C>G on the coding strand, the complement: RECQL4 is on the minus strand). VCF-style: chr8-144516664-G-C. GRCh37 (hg19) VCF-style: chr8-145742048-G-C.
Other names: short protein forms A152G.
Identifiers: ClinVar variation 842030 (VCV000842030.7), dbSNP rs774699880, ClinGen allele CA372691422.